The following is an entry in ClinVar:

ClinVar aggregate classification (germline): Benign/Likely benign. Review status: criteria provided, multiple submitters, no conflicts (2 of 4 stars). 5 submissions from 5 submitters: Benign (2); Likely benign (3). Last evaluated 2026-01-25.

Conditions:
Tuberous sclerosis syndrome (TSC). Also called: Tuberous Sclerosis Complex; Tuberous sclerosis. Identifiers: Orphanet 805, MedGen C0041341, MONDO:0001734.
Hereditary cancer-predisposing syndrome. Also called: Tumor predisposition; Neoplastic Syndromes, Hereditary; Hereditary Cancer Syndrome; Hereditary neoplastic syndrome. Identifiers: Orphanet 140162, MedGen C0027672, MeSH D009386, MONDO:0015356.
Tuberous sclerosis 2 (TSC2). Identifiers: Orphanet 805, MedGen C1860707, MONDO:0013199, OMIM 613254.

Allele frequency attached by ClinVar (database versions not stated): gnomAD exomes below 0.00001; gnomAD 0.00001.
gnomAD v4.1: 5 of 1,612,168 alleles (0.00031%); highest among the groups gnomAD compares: Non-Finnish European, 0.00042%; no homozygotes.

Submissions (5):

Labcorp Genetics (formerly Invitae), Labcorp
Classification: Likely benign for Tuberous sclerosis 2. Last evaluated: 2026-01-25. Review status: criteria provided, single submitter. Criteria: Invitae Variant Classification Sherloc (09022015). Collection method: clinical testing. Allele origin: germline.

Color Diagnostics, LLC DBA Color Health
Classification: Likely benign for Tuberous sclerosis syndrome. Last evaluated: 2025-07-14. Review status: criteria provided, single submitter. Criteria: ACMG Guidelines, 2015. Collection method: clinical testing. Allele origin: germline.

Myriad Genetics, Inc.
Classification: Benign for Tuberous sclerosis 2. Last evaluated: 2025-06-03. Review status: criteria provided, single submitter. Criteria: Myriad Autosomal Dominant, Autosomal Recessive and X-Linked Classification Criteria (2023). Collection method: clinical testing. Allele origin: unknown.
Comment: This variant is considered benign. This variant is a silent/synonymous amino acid change and it is not expected to impact splicing.

Genome-Nilou Lab
Classification: Benign for Tuberous sclerosis 2. Last evaluated: 2021-11-07. Review status: criteria provided, single submitter. Criteria: ACMG Guidelines, 2015. Collection method: clinical testing. Allele origin: germline. Affected: no.

Ambry Genetics
Classification: Likely benign for Hereditary cancer-predisposing syndrome. Last evaluated: 2016-04-06. Review status: criteria provided, single submitter. Criteria: Ambry Variant Classification Scheme 2023. Collection method: clinical testing. Allele origin: germline.

NM_000548.5(TSC2):c.4170G>A (p.Glu1390=)

Gene: TSC2 (TSC complex subunit 2; plus strand). Cytogenetic location: 16p13.3.
Variant type: single nucleotide variant.
Coding change: c.4170G>A on transcript NM_000548.5 (MANE Select); coding-DNA position 4170, G replaced by A.
Protein change: p.Glu1390=; no amino-acid change (glutamic acid 1390 retained).
Molecular consequence: synonymous variant.
Genome position (GRCh38, 1-based): chr16:2,084,392, G>A. VCF-style: chr16-2084392-G-A. GRCh37 (hg19) VCF-style: chr16-2134393-G-A.
Other names: c.3969G>A, p.Glu1323= (NM_001077183.3); c.4101G>A, p.Glu1367= (NM_001114382.3); c.3861G>A, p.Glu1287= (NM_001318827.2); c.3825G>A, p.Glu1275= (NM_001318829.2); c.3438G>A, p.Glu1146= (NM_001318831.2); c.4002G>A, p.Glu1334= (NM_001318832.2); c.3972G>A, p.Glu1324= (NM_001363528.2); c.4038G>A, p.Glu1346= (NM_001370404.1); and 1 more.
Identifiers: ClinVar variation 486652 (VCV000486652.17), dbSNP rs1244952951, ClinGen allele CA493043145.